The following is an entry in ClinVar:

NM_001354768.3(NRL):c.76dup (p.Glu26fs)

Gene: NRL (neural retina leucine zipper; minus strand). Cytogenetic location: 14q11.2.
Variant type: Duplication.
Coding change: c.76dup on transcript NM_001354768.3 (MANE Select); coding-DNA position 76, one base duplicated (G; older notation c.76dupG).
Protein change: p.Glu26fs; shifts the reading frame from glutamic acid 26.
Molecular consequence: frameshift variant. On other transcripts: intron variant (1).
Genome position (GRCh38, 1-based): chr14:24,082,773, C duplicated on the plus strand (G on the coding strand, the reverse complement: NRL is on the minus strand); the first of 3 consecutive C bases (chr14:24,082,773-24,082,775); duplicating any one gives the same sequence. VCF-style (leftmost placement, unchanged base first): chr14-24082772-T-TC. GRCh37 (hg19) VCF-style: chr14-24551981-T-TC.
Other names: c.76dup, p.Glu26fs (NM_001354769.1, NM_006177.5); c.66+10dup (NM_001354770.2); short protein forms E26fs.
Identifiers: ClinVar variation 1919840 (VCV001919840.5), dbSNP rs1217980053, ClinGen allele CA613319202.

ClinVar aggregate classification (germline): Pathogenic (1 of 4 stars; one submission).

Submission:

Labcorp Genetics (formerly Invitae), Labcorp
Classification: Pathogenic. Last evaluated: 2022-09-09. Review status: criteria provided, single submitter. Criteria: Invitae Variant Classification Sherloc (09022015). Collection method: clinical testing. Allele origin: germline.
Comment: For these reasons, this variant has been classified as Pathogenic. Algorithms developed to predict the effect of sequence changes on RNA splicing suggest that this variant may create or strengthen a splice site. This variant has not been reported in the literature in individuals affected with NRL-related conditions. This variant is present in population databases (no rsID available, gnomAD 0.009%). This sequence change creates a premature translational stop signal (p.Glu26Glyfs*4) in the NRL gene. It is expected to result in an absent or disrupted protein product. Loss-of-function variants in NRL are known to be pathogenic (PMID: 11694879, 15591106).

Literature cited by the submitters: PubMed 11694879; PubMed 15591106.